The following is an entry in ClinVar:

ClinVar aggregate classification (germline): Uncertain significance (1 of 4 stars; one submission).

Allele frequency attached by ClinVar (database versions not stated): gnomAD exomes below 0.00001; TOPMed 0.00001; gnomAD 0.00001.
gnomAD v4.1: 4 of 1,612,970 alleles (0.00025%); highest among the groups gnomAD compares: Non-Finnish European, 0.00034%; no homozygotes.

Submission:

Labcorp Genetics (formerly Invitae), Labcorp
Classification: Uncertain significance. Last evaluated: 2023-08-08. Review status: criteria provided, single submitter. Criteria: Invitae Variant Classification Sherloc (09022015). Collection method: clinical testing. Allele origin: germline.
Comment: This sequence change replaces isoleucine, which is neutral and non-polar, with valine, which is neutral and non-polar, at codon 435 of the CHRM2 protein (p.Ile435Val). This variant is not present in population databases (gnomAD no frequency). This variant has not been reported in the literature in individuals affected with CHRM2-related conditions. An algorithm developed to predict the effect of missense changes on protein structure and function (PolyPhen-2) suggests that this variant is likely to be tolerated. In summary, the available evidence is currently insufficient to determine the role of this variant in disease. Therefore, it has been classified as a Variant of Uncertain Significance.

NM_001006630.2(CHRM2):c.1303A>G (p.Ile435Val)

Genes: CHRM2 (cholinergic receptor muscarinic 2; plus strand), LOC349160 (uncharacterized LOC349160; minus strand). Cytogenetic location: 7q33.
Variant type: single nucleotide variant.
Coding change: c.1303A>G on transcript NM_001006630.2 (MANE Select); coding-DNA position 1303, A replaced by G.
Protein change: p.Ile435Val; replaces isoleucine 435 with valine.
Molecular consequence: missense variant.
Genome position (GRCh38, 1-based): chr7:137,016,168, A>G. VCF-style: chr7-137016168-A-G. GRCh37 (hg19) VCF-style: chr7-136700915-A-G.
Other names: c.1303A>G, p.Ile435Val (NM_000739.3, NM_001006626.3, NM_001006627.3 and 6 more transcripts); short protein forms I435V.
Identifiers: ClinVar variation 2890640 (VCV002890640.3), dbSNP rs1408850981, ClinGen allele CA369488417.